The following is an entry in ClinVar:

ClinVar aggregate classification (germline): Benign (0 of 4 stars; one submission).

Conditions:
PLXND1-related disorder. Also called: PLXND1-related condition.

Allele frequency attached by ClinVar (database versions not stated): gnomAD exomes 0.14510; ExAC 0.16793; ESP Exome Variant Server 0.18322; gnomAD 0.18742; TOPMed 0.20001; 1000 Genomes Project 0.23263; 1000 Genomes Project 30x 0.23501.

Submission:

PreventionGenetics, part of Exact Sciences
Classification: Benign for PLXND1-related condition. Last evaluated: 2019-06-06. Review status: no assertion criteria provided. Collection method: clinical testing. Allele origin: germline.
Comment: This variant is classified as benign based on ACMG/AMP sequence variant interpretation guidelines (Richards et al. 2015 PMID: 25741868, with internal and published modifications).

NM_015103.3(PLXND1):c.5727G>A (p.Gln1909=)

Gene: PLXND1 (plexin D1; minus strand). Cytogenetic location: 3q22.1.
Variant type: single nucleotide variant.
Coding change: c.5727G>A on transcript NM_015103.3 (MANE Select); coding-DNA position 5727, G replaced by A.
Protein change: p.Gln1909=; no amino-acid change (glutamine 1909 retained).
Molecular consequence: synonymous variant.
Genome position (GRCh38, 1-based): chr3:129,556,363, C>T on the plus strand (G>A on the coding strand, the complement: PLXND1 is on the minus strand). VCF-style: chr3-129556363-C-T. GRCh37 (hg19) VCF-style: chr3-129275206-C-T.
Identifiers: ClinVar variation 3059889 (VCV003059889.2), dbSNP rs11920311, ClinGen allele CA2607722.